The following is an entry in ClinVar:

ClinVar aggregate classification (germline): Likely benign. Review status: criteria provided, multiple submitters, no conflicts (2 of 4 stars). 2 submissions from 2 submitters: Likely benign (2). Last evaluated 2025-11-01.

Conditions:
MEGF10-related myopathy (CMYO10A). Also called: Congenital myopathy 10A, severe variant. Identifiers: Orphanet 439212, MedGen C3280679, MONDO:0013731, OMIM 614399.

Allele frequency attached by ClinVar (database versions not stated): gnomAD exomes 0.00003 and 0.00007; ExAC 0.00010; gnomAD 0.00029 and 0.00032; TOPMed 0.00034; ESP Exome Variant Server 0.00046; 1000 Genomes Project 30x 0.00062; 1000 Genomes Project 0.00080.
gnomAD v4.1: 86 of 1,590,032 alleles (0.0054%); highest among the groups gnomAD compares: African/African-American, 0.094%; no homozygotes.

Submissions (2):

Labcorp Genetics (formerly Invitae), Labcorp
Classification: Likely benign for MEGF10-related myopathy. Last evaluated: 2025-11-01. Review status: criteria provided, single submitter. Criteria: Invitae Variant Classification Sherloc (09022015). Collection method: clinical testing. Allele origin: germline.

GeneDx
Classification: Likely benign. Last evaluated: 2017-02-15. Review status: criteria provided, single submitter. Criteria: GeneDx Variant Classification (06012015). Collection method: clinical testing. Allele origin: germline. Affected: yes.
Comment: This variant is considered likely benign or benign based on one or more of the following criteria: it is a conservative change, it occurs at a poorly conserved position in the protein, it is predicted to be benign by multiple in silico algorithms, and/or has population frequency not consistent with disease.

NM_001256545.2(MEGF10):c.1130+12C>T

Gene: MEGF10 (multiple EGF like domains 10; plus strand). Cytogenetic location: 5q23.2.
Variant type: single nucleotide variant.
Coding change: c.1130+12C>T on transcript NM_001256545.2 (MANE Select); 12 bases into the intron after coding-DNA position 1130, C replaced by T.
Molecular consequence: intron variant.
Genome position (GRCh38, 1-based): chr5:127,410,613, C>T. VCF-style: chr5-127410613-C-T. GRCh37 (hg19) VCF-style: chr5-126746305-C-T.
Other names: c.1130+12C>T (NM_032446.3, NM_001308119.2, NM_001308121.2).
Identifiers: ClinVar variation 507414 (VCV000507414.9), dbSNP rs201836299, ClinGen allele CA3391491.